The following is an entry in ClinVar:

ClinVar aggregate classification (germline): Likely benign. Review status: criteria provided, multiple submitters, no conflicts (2 of 4 stars). 3 submissions from 3 submitters: Likely benign (2). 1 of the submissions does not count toward it. Last evaluated 2024-02-25.

Conditions:
Wilson disease (WND). Also called: Wilson's disease. Identifiers: Orphanet 905, MedGen C0019202, MONDO:0010200, OMIM 277900. Disease mechanism: loss of function.

Allele frequency attached by ClinVar (database versions not stated): gnomAD exomes below 0.00001.
gnomAD v4.1: 1 of 1,612,822 alleles (0.000062%); highest among the groups gnomAD compares: Admixed American, 0.0017%; no homozygotes.

Submissions (3):

Labcorp Genetics (formerly Invitae), Labcorp
Classification: Likely benign for Wilson disease. Last evaluated: 2024-02-25. Review status: criteria provided, single submitter. Criteria: Invitae Variant Classification Sherloc (09022015). Collection method: clinical testing. Allele origin: germline.

All of Us Research Program, National Institutes of Health
Classification: Likely benign for Wilson disease. Last evaluated: 2024-02-22. Review status: criteria provided, single submitter. Criteria: ACMG Guidelines, 2015. Collection method: clinical testing. Allele origin: germline. Inheritance: Autosomal recessive inheritance. Observed: 1 variant allele, 1 heterozygote.
Comment: This study involves interpretation of variants in research participants for the purpose of population health screening. Participant phenotype was not available at the time of variant classification. Additional details can be found in publication PMID: 35346344, PMCID: PMC8962531

Natera, Inc.
Classification: Uncertain significance for Wilson disease. Last evaluated: 2020-04-15. Review status: no assertion criteria provided. Collection method: clinical testing. Allele origin: germline. Not counted in ClinVar's aggregate classification.

NM_000053.4(ATP7B):c.2356-9A>G

Gene: ATP7B (ATPase copper transporting beta; minus strand). Cytogenetic location: 13q14.3.
Variant type: single nucleotide variant.
Coding change: c.2356-9A>G on transcript NM_000053.4 (MANE Select); 9 bases into the intron before coding-DNA position 2356, A replaced by G.
Molecular consequence: intron variant.
Genome position (GRCh38, 1-based): chr13:51,957,616, T>C on the plus strand (A>G on the coding strand, the complement: ATP7B is on the minus strand). VCF-style: chr13-51957616-T-C. GRCh37 (hg19) VCF-style: chr13-52531752-T-C.
Other names: c.2023-9A>G (NM_001243182.2); c.1870-9A>G (NM_001005918.3); c.2104-9A>G (NM_001330579.2); c.2122-9A>G (NM_001330578.2).
Identifiers: ClinVar variation 991423 (VCV000991423.9), dbSNP rs1339073174, ClinGen allele CA609968993.